The following is an entry in ClinVar:

NM_001370259.2(MEN1):c.792del (p.Trp265fs)

Gene: MEN1 (menin 1; minus strand). Cytogenetic location: 11q13.1.
Variant type: Deletion.
Coding change: c.792del on transcript NM_001370259.2 (MANE Select); coding-DNA position 792, one base deleted (C; older notation c.792delC).
Protein change: p.Trp265fs; shifts the reading frame from tryptophan 265.
Molecular consequence: frameshift variant. On other transcripts: non-coding transcript variant (4).
Genome position (GRCh38, 1-based): chr11:64,807,211, G deleted on the plus strand (C on the coding strand, the reverse complement: MEN1 is on the minus strand). VCF-style (leftmost placement, unchanged base first): chr11-64807210-AG-A. GRCh37 (hg19) VCF-style: chr11-64574682-AG-A.
Other names: c.792del, p.Trp265fs (NM_001407152.1, NM_130799.3, NM_001370260.2 and 7 more transcripts); c.807del, p.Trp270fs (NM_130800.3, NM_130801.3, NM_130802.3 and 5 more transcripts); c.687del, p.Trp230fs (NM_001370262.2, NM_001370263.2, NM_001407148.1 and 2 more transcripts); short protein forms W230fs, W265fs, W270fs.
Identifiers: ClinVar variation 2694618 (VCV002694618.3), dbSNP rs2497194322, ClinGen allele CA2697548619.

ClinVar aggregate classification (germline): Pathogenic (1 of 4 stars; one submission).

Conditions:
Multiple endocrine neoplasia, type 1 (MEN1). Also called: MEN I; WERMER SYNDROME; Endocrine adenomatosis multiple; MEN 1; MEA I. Identifiers: Orphanet 652, MedGen C0025267, MeSH D018761, MONDO:0007540, OMIM 131100.

Submission:

Labcorp Genetics (formerly Invitae), Labcorp
Classification: Pathogenic for Multiple endocrine neoplasia, type 1. Last evaluated: 2023-11-10. Review status: criteria provided, single submitter. Criteria: Invitae Variant Classification Sherloc (09022015). Collection method: clinical testing. Allele origin: germline.
Comment: This sequence change creates a premature translational stop signal (p.Trp265Glyfs*16) in the MEN1 gene. It is expected to result in an absent or disrupted protein product. Loss-of-function variants in MEN1 are known to be pathogenic (PMID: 12112656, 17853334). This variant is not present in population databases (gnomAD no frequency). This variant has not been reported in the literature in individuals affected with MEN1-related conditions. RNA analysis provides insufficient evidence to determine the effect of this variant on MEN1 splicing (Invitae). For these reasons, this variant has been classified as Pathogenic.

Literature cited by the submitters: PubMed 12112656; PubMed 17853334.